The following is an entry in ClinVar:

ClinVar aggregate classification (germline): Pathogenic (1 of 4 stars; one submission).

Submission:

Labcorp Genetics (formerly Invitae), Labcorp
Classification: Pathogenic. Last evaluated: 2023-06-24. Review status: criteria provided, single submitter. Criteria: Invitae Variant Classification Sherloc (09022015). Collection method: clinical testing. Allele origin: germline.
Comment: For these reasons, this variant has been classified as Pathogenic. This variant has not been reported in the literature in individuals affected with MNX1-related conditions. The frequency data for this variant in the population databases is considered unreliable, as metrics indicate insufficient coverage at this position in the gnomAD database. This sequence change creates a premature translational stop signal (p.Gly109Profs*109) in the MNX1 gene. It is expected to result in an absent or disrupted protein product. Loss-of-function variants in MNX1 are known to be pathogenic (PMID: 10631160, 10749657, 16254195, 24095820).

Literature cited by the submitters: PubMed 10631160; PubMed 10749657; PubMed 16254195; PubMed 24095820.

NM_005515.4(MNX1):c.321_333del (p.Gly109fs)

Gene: MNX1 (motor neuron and pancreas homeobox 1; minus strand). Cytogenetic location: 7q36.3.
Variant type: Deletion.
Coding change: c.321_333del on transcript NM_005515.4 (MANE Select); coding-DNA positions 321 to 333, 13 bases deleted (CGGCGGGCACGGG).
Protein change: p.Gly109fs; shifts the reading frame from glycine 109.
Molecular consequence: frameshift variant.
Genome position (GRCh38, 1-based): chr7:157,010,018-157,010,030, CCCGTGCCCGCCG deleted on the plus strand (CGGCGGGCACGGG on the coding strand, the reverse complement: MNX1 is on the minus strand); deleting any 13 consecutive bases within chr7:157,010,018-157,010,038 gives the same sequence; the c. name uses the placement nearest the transcript's 3' end. VCF-style (leftmost placement, unchanged base first): chr7-157010017-CCCCGTGCCCGCCG-C. GRCh37 (hg19) VCF-style: chr7-156802711-CCCCGTGCCCGCCG-C.
Other names: short protein forms G109fs.
Identifiers: ClinVar variation 2853976 (VCV002853976.3), dbSNP rs2537781362, ClinGen allele CA2579076251.